The following is an entry in ClinVar:

ClinVar aggregate classification (germline): Pathogenic (1 of 4 stars; one submission).

Conditions:
Retinoblastoma (RB1). Also called: RETINOBLASTOMA, SOMATIC. Identifiers: Orphanet 790, MedGen C0035335, MeSH D012175, MONDO:0008380, OMIM 180200, HP:0009919. Disease mechanism: loss of function. Inheritance: Both sporadic and heritable forms are tested..

Submission:

Genetic Diagnostic Laboratory, University of Pennsylvania School of Medicine
Classification: Pathogenic for Retinoblastoma. Last evaluated: 2024-05-20. Review status: criteria provided, single submitter. Criteria: ACMG Guidelines, 2015. Collection method: clinical testing. Allele origin: germline. Affected: yes. Observed: 1 variant allele.
Comment: Case and Pedigree Information: BILATERAL CASES:1, UNILATERAL CASES:0, TOTAL CASES:1, PEDIGREES:1. ACMG Codes Applied:PVS1, PM2

NM_000321.3(RB1):c.1332+1G>C

Gene: RB1 (RB transcriptional corepressor 1; plus strand). Cytogenetic location: 13q14.2.
Variant type: single nucleotide variant.
Coding change: c.1332+1G>C on transcript NM_000321.3 (MANE Select); the canonical splice donor site of the intron after coding-DNA position 1332, G replaced by C.
Molecular consequence: splice donor variant.
Genome position (GRCh38, 1-based): chr13:48,377,035, G>C. VCF-style: chr13-48377035-G-C. GRCh37 (hg19) VCF-style: chr13-48951171-G-C.
Other names: c.1332+1G>C (NM_001407165.1, NM_001407166.1).
Identifiers: ClinVar variation 3236973 (VCV003236973.1), dbSNP rs587778846.